The following is an entry in ClinVar:

NM_000038.6(APC):c.7305T>C (p.Pro2435=)

Gene: APC (APC regulator of Wnt signaling pathway; plus strand). Cytogenetic location: 5q22.2.
Variant type: single nucleotide variant.
Coding change: c.7305T>C on transcript NM_000038.6 (MANE Select); coding-DNA position 7305, T replaced by C.
Protein change: p.Pro2435=; no amino-acid change (proline 2435 retained).
Molecular consequence: synonymous variant. On other transcripts: non-coding transcript variant (2).
Genome position (GRCh38, 1-based): chr5:112,842,899, T>C. VCF-style: chr5-112842899-T-C. GRCh37 (hg19) VCF-style: chr5-112178596-T-C.
Other names: c.7305T>C, p.Pro2435= (NM_001127510.3, NM_001354895.2, NM_001407450.1); c.7251T>C, p.Pro2417= (NM_001127511.3); c.7359T>C, p.Pro2453= (NM_001354896.2, NM_001407447.1, NM_001407448.1 and 1 more transcripts); c.7335T>C, p.Pro2445= (NM_001354897.2); c.7230T>C, p.Pro2410= (NM_001354898.2); c.7221T>C, p.Pro2407= (NM_001354899.2); c.7182T>C, p.Pro2394= (NM_001354900.2); c.7128T>C, p.Pro2376= (NM_001354901.2, NM_001407453.1); and 11 more.
Identifiers: ClinVar variation 3253750 (VCV003253750.2), dbSNP rs1580681028.

ClinVar aggregate classification (germline): Benign/Likely benign. Review status: criteria provided, multiple submitters, no conflicts (2 of 4 stars). 2 submissions from 2 submitters: Benign (1); Likely benign (1). Last evaluated 2025-12-02.

Conditions:
Familial adenomatous polyposis 1 (FAP1). Also called: POLYPOSIS, ADENOMATOUS INTESTINAL; FAMILIAL ADENOMATOUS POLYPOSIS 1, ATTENUATED. Identifiers: MedGen C2713442, MONDO:0021056, OMIM 175100. Disease mechanism: loss of function.

Submissions (2):

Labcorp Genetics (formerly Invitae), Labcorp
Classification: Likely benign for Familial adenomatous polyposis 1. Last evaluated: 2025-12-02. Review status: criteria provided, single submitter. Criteria: Invitae Variant Classification Sherloc (09022015). Collection method: clinical testing. Allele origin: germline.

Myriad Genetics, Inc.
Classification: Benign for Familial adenomatous polyposis 1. Last evaluated: 2024-04-09. Review status: criteria provided, single submitter. Criteria: Myriad Autosomal Dominant, Autosomal Recessive and X-Linked Classification Criteria (2023). Collection method: clinical testing. Allele origin: unknown.
Comment: This variant is considered benign. This variant is a silent/synonymous amino acid change and it is not expected to impact splicing.